The following is an entry in ClinVar:

ClinVar aggregate classification (germline): Uncertain significance (1 of 4 stars; one submission).

Submission:

CeGaT Center for Human Genetics Tuebingen
Classification: Uncertain significance. Last evaluated: 2024-01-01. Review status: criteria provided, single submitter. Criteria: CeGaT Center For Human Genetics Tuebingen Variant Classification Criteria Version 2. Collection method: clinical testing. Allele origin: germline. Affected: yes. Observed: 1 variant allele.
Comment: GATA1: PM2, PP2

NM_002049.4(GATA1):c.871-33A>G

Genes: GATA1 (GATA binding protein 1; plus strand), LOC119407405 (CRISPRi-FlowFISH-validated PLP2 regulatory element 6; plus strand). Cytogenetic location: Xp11.23.
Variant type: single nucleotide variant.
Coding change: c.871-33A>G on transcript NM_002049.4 (MANE Select); 33 bases into the intron before coding-DNA position 871, A replaced by G.
Molecular consequence: intron variant.
Genome position (GRCh38, 1-based): chrX:48,793,760, A>G. VCF-style: chrX-48793760-A-G. GRCh37 (hg19) VCF-style: chrX-48652167-A-G.
Identifiers: ClinVar variation 3026898 (VCV003026898.22), dbSNP rs2519346334, ClinGen allele CA2740092148.